The following is an entry in ClinVar:

NM_000285.4(PEPD):c.1469C>G (p.Ser490Cys)

Gene: PEPD (peptidase D; minus strand). Cytogenetic location: 19q13.11.
Variant type: single nucleotide variant.
Coding change: c.1469C>G on transcript NM_000285.4 (MANE Select); coding-DNA position 1469, C replaced by G.
Protein change: p.Ser490Cys; replaces serine 490 with cysteine.
Molecular consequence: missense variant.
Genome position (GRCh38, 1-based): chr19:33,387,357, G>C on the plus strand (C>G on the coding strand, the complement: PEPD is on the minus strand). VCF-style: chr19-33387357-G-C. GRCh37 (hg19) VCF-style: chr19-33878263-G-C.
Other names: c.1346C>G, p.Ser449Cys (NM_001166056.2); c.1277C>G, p.Ser426Cys (NM_001166057.2); short protein forms S426C, S449C, S490C.
Identifiers: ClinVar variation 4989653 (VCV004989653.1).

ClinVar aggregate classification (germline): Uncertain significance (1 of 4 stars; one submission).

Conditions:
PEPD-related disorder. Also called: PEPD-related condition.

gnomAD v4.1: 1 of 1,614,014 alleles (0.000062%); highest among the groups gnomAD compares: Non-Finnish European, 0.000085%; no homozygotes.

Submission:

PreventionGenetics, part of Exact Sciences
Classification: Uncertain significance for PEPD-related condition. Last evaluated: 2025-11-21. Review status: criteria provided, single submitter. Criteria: ACMG Guidelines, 2015. Collection method: clinical testing. Allele origin: germline.
Comment: The PEPD c.1469C>G variant is predicted to result in the amino acid substitution p.Ser490Cys. To our knowledge, this variant has not been reported in the literature or in a large population database (gnomAD), indicating this variant is rare. At this time, the clinical significance of this variant is uncertain due to the absence of conclusive functional and genetic evidence.